The following is an entry in ClinVar:

NM_001007525.5(NWD1):c.1688C>T (p.Thr563Met)

Gene: NWD1 (NACHT and WD repeat domain containing 1; plus strand). Cytogenetic location: 19p13.11.
Variant type: single nucleotide variant.
Coding change: c.1688C>T on transcript NM_001007525.5 (MANE Select); coding-DNA position 1688, C replaced by T.
Protein change: p.Thr563Met; replaces threonine 563 with methionine.
Molecular consequence: missense variant.
Genome position (GRCh38, 1-based): chr19:16,750,330, C>T. VCF-style: chr19-16750330-C-T. GRCh37 (hg19) VCF-style: chr19-16861141-C-T.
Other names: c.1283C>T, p.Thr428Met (NM_001290355.3); c.1070C>T, p.Thr357Met (NM_001347994.1); short protein forms T357M, T428M, T563M.
Identifiers: ClinVar variation 2649518 (VCV002649518.24), dbSNP rs141300843, ClinGen allele CA9281781.

ClinVar aggregate classification (germline): Likely benign (1 of 4 stars; one submission).

Allele frequency attached by ClinVar (database versions not stated): 1000 Genomes Project 0.00319; 1000 Genomes Project 30x 0.00344; TOPMed 0.00430; gnomAD 0.00442; ESP Exome Variant Server 0.00515.
gnomAD v4.1: 9,959 of 1,613,052 alleles (0.62%); highest among the groups gnomAD compares: Middle Eastern, 1.9%; 48 homozygotes.

Submission:

CeGaT Center for Human Genetics Tuebingen
Classification: Likely benign. Last evaluated: 2023-03-01. Review status: criteria provided, single submitter. Criteria: CeGaT Center For Human Genetics Tuebingen Variant Classification Criteria Version 2. Collection method: clinical testing. Allele origin: germline. Affected: yes. Observed: 3 variant alleles.
Comment: NWD1: BP4, BS2